The following is an entry in ClinVar:

ClinVar aggregate classification (germline): Uncertain significance (1 of 4 stars; one submission).

Conditions:
Heterotaxy, visceral, 4, autosomal (HTX4). Identifiers: Orphanet 450, MedGen C3151057, MONDO:0013403, OMIM 613751.

Submission:

Labcorp Genetics (formerly Invitae), Labcorp
Classification: Uncertain significance for Heterotaxy, visceral, 4, autosomal. Last evaluated: 2025-04-24. Review status: criteria provided, single submitter. Criteria: Invitae Variant Classification Sherloc (09022015). Collection method: clinical testing. Allele origin: germline.
Comment: This sequence change replaces serine, which is neutral and polar, with phenylalanine, which is neutral and non-polar, at codon 470 of the ACVR2B protein (p.Ser470Phe). This variant is not present in population databases (gnomAD no frequency). This variant has not been reported in the literature in individuals affected with ACVR2B-related conditions. Invitae Evidence Modeling of protein sequence and biophysical properties (such as structural, functional, and spatial information, amino acid conservation, physicochemical variation, residue mobility, and thermodynamic stability) indicates that this missense variant is expected to disrupt ACVR2B protein function with a positive predictive value of 95%. In summary, the available evidence is currently insufficient to determine the role of this variant in disease. Therefore, it has been classified as a Variant of Uncertain Significance.

NM_001106.4(ACVR2B):c.1409C>T (p.Ser470Phe)

Gene: ACVR2B (activin A receptor type 2B; plus strand). Cytogenetic location: 3p22.2.
Variant type: single nucleotide variant.
Coding change: c.1409C>T on transcript NM_001106.4 (MANE Select); coding-DNA position 1409, C replaced by T.
Protein change: p.Ser470Phe; replaces serine 470 with phenylalanine.
Molecular consequence: missense variant.
Genome position (GRCh38, 1-based): chr3:38,483,202, C>T. VCF-style: chr3-38483202-C-T. GRCh37 (hg19) VCF-style: chr3-38524693-C-T.
Other names: short protein forms S470F.
Identifiers: ClinVar variation 4801648 (VCV004801648.1).